The following is an entry in ClinVar:

ClinVar aggregate classification (germline): Pathogenic (1 of 4 stars; one submission).

Submission:

Labcorp Genetics (formerly Invitae), Labcorp
Classification: Pathogenic. Last evaluated: 2024-09-08. Review status: criteria provided, single submitter. Criteria: Invitae Variant Classification Sherloc (09022015). Collection method: clinical testing. Allele origin: germline.
Comment: This sequence change creates a premature translational stop signal (p.Glu96*) in the DCHS1 gene. It is expected to result in an absent or disrupted protein product. Loss-of-function variants in DCHS1 are known to be pathogenic (PMID: 24056717, 26258302). This variant is not present in population databases (gnomAD no frequency). This variant has not been reported in the literature in individuals affected with DCHS1-related conditions. Algorithms developed to predict the effect of sequence changes on RNA splicing suggest that this variant may create or strengthen a splice site. For these reasons, this variant has been classified as Pathogenic.

Literature cited by the submitters: PubMed 24056717; PubMed 26258302.

NM_003737.4(DCHS1):c.286G>T (p.Glu96Ter)

Gene: DCHS1 (dachsous cadherin-related 1; minus strand). Cytogenetic location: 11p15.4.
Variant type: single nucleotide variant.
Coding change: c.286G>T on transcript NM_003737.4 (MANE Select); coding-DNA position 286, G replaced by T.
Protein change: p.Glu96Ter; replaces glutamic acid 96 with a stop codon.
Molecular consequence: nonsense.
Genome position (GRCh38, 1-based): chr11:6,641,328, C>A on the plus strand (G>T on the coding strand, the complement: DCHS1 is on the minus strand). VCF-style: chr11-6641328-C-A. GRCh37 (hg19) VCF-style: chr11-6662559-C-A.
Other names: short protein forms E96*.
Identifiers: ClinVar variation 3666749 (VCV003666749.2).